The following is an entry in ClinVar:

ClinVar aggregate classification (germline): Uncertain significance (1 of 4 stars; one submission).

gnomAD v4.1: 289 of 1,587,068 alleles (0.018%); highest among the groups gnomAD compares: Non-Finnish European, 0.024%; no homozygotes.

Submission:

Mayo Clinic Laboratories, Mayo Clinic
Classification: Uncertain significance. Last evaluated: 2024-01-02. Review status: criteria provided, single submitter. Criteria: ACMG Guidelines, 2015. Collection method: clinical testing. Allele origin: germline. Observed: 1 variant allele.
Comment: BP4, PM2_moderate

NM_004715.5(CTDP1):c.1400C>A (p.Thr467Lys)

Gene: CTDP1 (CTD phosphatase subunit 1; plus strand). Cytogenetic location: 18q23.
Variant type: single nucleotide variant.
Coding change: c.1400C>A on transcript NM_004715.5 (MANE Select); coding-DNA position 1400, C replaced by A.
Protein change: p.Thr467Lys; replaces threonine 467 with lysine.
Molecular consequence: missense variant.
Genome position (GRCh38, 1-based): chr18:79,714,860, C>A. VCF-style: chr18-79714860-C-A. GRCh37 (hg19) VCF-style: chr18-77474860-C-A.
Other names: p.Thr467Lys; c.1043C>A, p.Thr348Lys (NM_001202504.1); c.1400C>A, p.Thr467Lys (NM_001318511.2, NM_048368.4); short protein forms T348K, T467K.
Identifiers: ClinVar variation 3380550 (VCV003380550.1).